The following is an entry in ClinVar:

NM_012470.4(TNPO3):c.812A>G (p.Gln271Arg)

Gene: TNPO3 (transportin 3; minus strand). Cytogenetic location: 7q32.1.
Variant type: single nucleotide variant.
Coding change: c.812A>G on transcript NM_012470.4 (MANE Select); coding-DNA position 812, A replaced by G.
Protein change: p.Gln271Arg; replaces glutamine 271 with arginine.
Molecular consequence: missense variant. On other transcripts: non-coding transcript variant (18).
Genome position (GRCh38, 1-based): chr7:129,001,119, T>C on the plus strand (A>G on the coding strand, the complement: TNPO3 is on the minus strand). VCF-style: chr7-129001119-T-C. GRCh37 (hg19) VCF-style: chr7-128641173-T-C.
Other names: c.812A>G, p.Gln271Arg (NM_001191028.3, NM_001382216.1, NM_001382218.1 and 4 more transcripts); c.893A>G, p.Gln298Arg (NM_001382217.1); c.668A>G, p.Gln223Arg (NM_001382221.1); short protein forms Q298R, Q271R, Q223R.
Identifiers: ClinVar variation 2791515 (VCV002791515.3), dbSNP rs766473588, ClinGen allele CA4478325.

ClinVar aggregate classification (germline): Uncertain significance (1 of 4 stars; one submission).

Conditions:
Autosomal dominant limb-girdle muscular dystrophy type 1F (LGMDD2). Also called: Limb-girdle muscular dystrophy, type 1F; MUSCULAR DYSTROPHY, LIMB-GIRDLE, AUTOSOMAL DOMINANT 2. Identifiers: Orphanet 55595, MedGen C1842062, MONDO:0012034, OMIM 608423.

Allele frequency attached by ClinVar (database versions not stated): gnomAD exomes below 0.00001; ExAC 0.00001; gnomAD 0.00001; TOPMed 0.00001.
gnomAD v4.1: 2 of 1,614,046 alleles (0.00012%); highest among the groups gnomAD compares: Admixed American, 0.0017%; no homozygotes.

Submission:

Labcorp Genetics (formerly Invitae), Labcorp
Classification: Uncertain significance for Autosomal dominant limb-girdle muscular dystrophy type 1F. Last evaluated: 2023-09-22. Review status: criteria provided, single submitter. Criteria: Invitae Variant Classification Sherloc (09022015). Collection method: clinical testing. Allele origin: germline.
Comment: This sequence change replaces glutamine, which is neutral and polar, with arginine, which is basic and polar, at codon 271 of the TNPO3 protein (p.Gln271Arg). This variant is present in population databases (rs766473588, gnomAD 0.007%). This variant has not been reported in the literature in individuals affected with TNPO3-related conditions. Advanced modeling of protein sequence and biophysical properties (such as structural, functional, and spatial information, amino acid conservation, physicochemical variation, residue mobility, and thermodynamic stability) performed at Invitae indicates that this missense variant is not expected to disrupt TNPO3 protein function. In summary, the available evidence is currently insufficient to determine the role of this variant in disease. Therefore, it has been classified as a Variant of Uncertain Significance.